The following is an entry in ClinVar:

ClinVar aggregate classification (germline): Uncertain significance (1 of 4 stars; one submission).

Conditions:
Familial cold autoinflammatory syndrome 3 (FCAS3). Also called: ANTIBODY DEFICIENCY AND IMMUNE DYSREGULATION, PLCG2-ASSOCIATED; FAMILIAL ATYPICAL COLD URTICARIA. Identifiers: Orphanet 300359, MedGen C3280914, MONDO:0013766, OMIM 614468.

Allele frequency attached by ClinVar (database versions not stated): TOPMed 0.00001.
gnomAD v4.1: 9 of 1,613,476 alleles (0.00056%); highest among the groups gnomAD compares: Non-Finnish European, 0.00068%; no homozygotes.

Submission:

Labcorp Genetics (formerly Invitae), Labcorp
Classification: Uncertain significance for Familial cold autoinflammatory syndrome 3. Last evaluated: 2019-09-13. Review status: criteria provided, single submitter. Criteria: Invitae Variant Classification Sherloc (09022015). Collection method: clinical testing. Allele origin: germline.
Comment: This variant is not present in population databases (ExAC no frequency). This sequence change replaces proline with leucine at codon 522 of the PLCG2 protein (p.Pro522Leu). The proline residue is moderately conserved and there is a moderate physicochemical difference between proline and leucine. This variant has not been reported in the literature in individuals with PLCG2-related conditions. In summary, the available evidence is currently insufficient to determine the role of this variant in disease. Therefore, it has been classified as a Variant of Uncertain Significance. Algorithms developed to predict the effect of missense changes on protein structure and function (SIFT, PolyPhen-2, Align-GVGD) all suggest that this variant is likely to be tolerated, but these predictions have not been confirmed by published functional studies and their clinical significance is uncertain.

NM_002661.5(PLCG2):c.1565C>T (p.Pro522Leu)

Gene: PLCG2 (phospholipase C gamma 2; plus strand). Cytogenetic location: 16q23.3.
Variant type: single nucleotide variant.
Coding change: c.1565C>T on transcript NM_002661.5 (MANE Select); coding-DNA position 1565, C replaced by T.
Protein change: p.Pro522Leu; replaces proline 522 with leucine.
Molecular consequence: missense variant.
Genome position (GRCh38, 1-based): chr16:81,908,423, C>T. VCF-style: chr16-81908423-C-T. GRCh37 (hg19) VCF-style: chr16-81942028-C-T.
Other names: short protein forms P522L.
Identifiers: ClinVar variation 935795 (VCV000935795.9), dbSNP rs72824905, ClinGen allele CA396900063.